The following is an entry in ClinVar:

ClinVar aggregate classification (germline): Uncertain significance (1 of 4 stars; one submission).

Conditions:
Inborn genetic diseases. Identifiers: MedGen C0950123, MeSH D030342.

Submission:

Ambry Genetics
Classification: Uncertain significance for Inborn genetic diseases. Last evaluated: 2024-12-15. Review status: criteria provided, single submitter. Criteria: Ambry Variant Classification Scheme 2023. Collection method: clinical testing. Allele origin: germline.
Comment: The p.A399P variant (also known as c.1195G>C), located in coding exon 8 of the MECOM gene, results from a G to C substitution at nucleotide position 1195. The alanine at codon 399 is replaced by proline, an amino acid with highly similar properties. This amino acid position is conserved. In addition, this alteration is predicted to be deleterious by in silico analysis. Based on the available evidence, the clinical significance of this variant remains unclear.

NM_004991.4(MECOM):c.1195G>C (p.Ala399Pro)

Gene: MECOM (MDS1 and EVI1 complex locus; minus strand). Cytogenetic location: 3q26.2.
Variant type: single nucleotide variant.
Coding change: c.1195G>C on transcript NM_004991.4 (MANE Select); coding-DNA position 1195, G replaced by C.
Protein change: p.Ala399Pro; replaces alanine 399 with proline.
Molecular consequence: missense variant. On other transcripts: intron variant (2).
Genome position (GRCh38, 1-based): chr3:169,116,677, C>G on the plus strand (G>C on the coding strand, the complement: MECOM is on the minus strand). VCF-style: chr3-169116677-C-G. GRCh37 (hg19) VCF-style: chr3-168834465-C-G.
Other names: c.826G>C, p.Ala276Pro (NM_001105077.4); c.631G>C, p.Ala211Pro (NM_001105078.4, NM_001164000.2, NM_001205194.2 and 4 more transcripts); c.634G>C, p.Ala212Pro (NM_001163999.2, NM_001366467.2, NM_001366468.2 and 1 more transcripts); c.1195G>C, p.Ala399Pro (NM_001366466.2); c.1133-910G>C (NM_001366473.2); c.569-910G>C (NM_001366474.2); short protein forms A212P, A211P, A276P, A399P.
Identifiers: ClinVar variation 3871609 (VCV003871609.1).